The following is an entry in ClinVar:

NM_001042492.3(NF1):c.5333T>G (p.Phe1778Cys)

Gene: NF1 (neurofibromin 1; plus strand). Cytogenetic location: 17q11.2.
Variant type: single nucleotide variant.
Coding change: c.5333T>G on transcript NM_001042492.3 (MANE Select); coding-DNA position 5333, T replaced by G.
Protein change: p.Phe1778Cys; replaces phenylalanine 1778 with cysteine.
Molecular consequence: missense variant.
Genome position (GRCh38, 1-based): chr17:31,327,563, T>G. VCF-style: chr17-31327563-T-G. GRCh37 (hg19) VCF-style: chr17-29654581-T-G.
Other names: c.5270T>G, p.Phe1757Cys (NM_000267.4); short protein forms F1757C, F1778C.
Identifiers: ClinVar variation 4800779 (VCV004800779.1).
Genomic context (GRCh38, chr17:31,327,563, plus strand): 5'-GTTCTACTGCTGTCCAAGTAACTTCAGCAGAGCGAACAAAAGTCCTAGGGCAATCAGTCT[T>G]TCTAAATGACATTTATTATGCTTCGGAAATTGAAGAAATCTGCCTAGTAGATGAGAACCA-3'
Protein context (NP_001035957.1, residues 1768-1788): ERTKVLGQSV[Phe1778Cys]LNDIYYASEI

ClinVar aggregate classification (germline): Uncertain significance (1 of 4 stars; one submission).

Conditions:
Neurofibromatosis, type 1 (NF1). Also called: VON RECKLINGHAUSEN DISEASE; Neurofibromatosis, type I; NEUROFIBROMATOSIS, TYPE I, SOMATIC; Peripheral type neurofibromatosis. Identifiers: Orphanet 636, MedGen C0027831, MONDO:0018975, OMIM 162200. Disease mechanism: loss of function.

Submission:

Labcorp Genetics (formerly Invitae), Labcorp
Classification: Uncertain significance for Neurofibromatosis, type 1. Last evaluated: 2025-11-03. Review status: criteria provided, single submitter. Criteria: Invitae Variant Classification Sherloc (09022015). Collection method: clinical testing. Allele origin: germline.
Comment: This sequence change replaces phenylalanine, which is neutral and non-polar, with cysteine, which is neutral and slightly polar, at codon 1757 of the NF1 protein (p.Phe1757Cys). This variant is not present in population databases (gnomAD no frequency). This variant has not been reported in the literature in individuals affected with NF1-related conditions. Invitae Evidence Modeling of protein sequence and biophysical properties (such as structural, functional, and spatial information, amino acid conservation, physicochemical variation, residue mobility, and thermodynamic stability) indicates that this missense variant is expected to disrupt NF1 protein function with a positive predictive value of 95%. In summary, the available evidence is currently insufficient to determine the role of this variant in disease. Therefore, it has been classified as a Variant of Uncertain Significance.